The following is an entry in ClinVar:

NM_000441.2(SLC26A4):c.1299C>T (p.Ile433=)

Gene: SLC26A4 (solute carrier family 26 member 4; plus strand). Cytogenetic location: 7q22.3.
Variant type: single nucleotide variant.
Coding change: c.1299C>T on transcript NM_000441.2 (MANE Select); coding-DNA position 1299, C replaced by T.
Protein change: p.Ile433=; no amino-acid change (isoleucine 433 retained).
Molecular consequence: synonymous variant.
Genome position (GRCh38, 1-based): chr7:107,694,438, C>T. VCF-style: chr7-107694438-C-T. GRCh37 (hg19) VCF-style: chr7-107334883-C-T.
Identifiers: ClinVar variation 43502 (VCV000043502.14), dbSNP rs397516415, ClinGen allele CA132660.

ClinVar aggregate classification (germline): Conflicting classifications of pathogenicity. Review status: criteria provided, conflicting classifications (1 of 4 stars). 3 submissions from 3 submitters: Uncertain significance (1); Likely benign (2). Last evaluated 2026-06-05.

Allele frequency attached by ClinVar (database versions not stated): gnomAD 0.00001; ExAC 0.00001.
gnomAD v4.1: 9 of 1,613,648 alleles (0.00056%); highest among the groups gnomAD compares: South Asian, 0.0011%; no homozygotes.

Submissions (3):

Women's Health and Genetics/Laboratory Corporation of America, LabCorp
Classification: Uncertain significance. Last evaluated: 2026-06-05. Review status: criteria provided, single submitter. Criteria: LabCorp Variant Classification Summary - May 2015. Collection method: clinical testing. Allele origin: germline.
Comment: Variant summary: SLC26A4 c.1299C>T alters a conserved nucleotide resulting in a synonymous change. Consensus agreement among computation tools predict no significant impact on normal splicing. However, these predictions have yet to be confirmed by functional studies. The variant allele was found at a frequency of 1.2e-05 in 250884 control chromosomes. The available data on variant occurrences in the general population are insufficient to allow any conclusion about variant significance. c.1299C>T has been observed in compound heterozygous individual(s) affected with hearing loss (e.g. Huang_2023, Deng_2024). These data do not allow any conclusion about variant significance. To our knowledge, no experimental evidence demonstrating an impact on protein function has been reported. The following publications have been ascertained in the context of this evaluation (PMID: 39740534, 36748152). ClinVar contains an entry for this variant (Variation ID: 43502). Based on the evidence outlined above, the variant was classified as uncertain significance.

Labcorp Genetics (formerly Invitae), Labcorp
Classification: Likely benign. Last evaluated: 2024-06-21. Review status: criteria provided, single submitter. Criteria: Invitae Variant Classification Sherloc (09022015). Collection method: clinical testing. Allele origin: germline.

Laboratory for Molecular Medicine, Mass General Brigham Personalized Medicine
Classification: Likely benign. Last evaluated: 2012-06-15. Review status: criteria provided, single submitter. Criteria: LMM Criteria. Collection method: clinical testing. Allele origin: germline. Observed: 1 variant allele.
Comment: Ile433Ile in exon 11 of SLC26A4: This variant is not expected to have clinical s ignificance because it does not alter an amino acid residue and is not located w ithin the splice consensus sequence.

Literature cited by the submitters: PubMed 32208970 (cited by Women's Health and Genetics/Laboratory Corporation of America, LabCorp); PubMed 39740534 (cited by Women's Health and Genetics/Laboratory Corporation of America, LabCorp); PubMed 36748152 (cited by Women's Health and Genetics/Laboratory Corporation of America, LabCorp).